The following is an entry in ClinVar:

NM_001205293.3(CACNA1E):c.4777A>G (p.Ile1593Val)

Gene: CACNA1E (calcium voltage-gated channel subunit alpha1 E; plus strand). Cytogenetic location: 1q25.3.
Variant type: single nucleotide variant.
Coding change: c.4777A>G on transcript NM_001205293.3 (MANE Select); coding-DNA position 4777, A replaced by G.
Protein change: p.Ile1593Val; replaces isoleucine 1593 with valine.
Molecular consequence: missense variant.
Genome position (GRCh38, 1-based): chr1:181,763,493, A>G. VCF-style: chr1-181763493-A-G. GRCh37 (hg19) VCF-style: chr1-181732629-A-G.
Other names: c.4777A>G, p.Ile1593Val (NM_000721.4); c.4720A>G, p.Ile1574Val (NM_001205294.2); short protein forms I1593V, I1574V.
Identifiers: ClinVar variation 450052 (VCV000450052.6), dbSNP rs1159957403, ClinGen allele CA343626423.
Genomic context (GRCh38, chr1:181,763,493, plus strand): 5'-AGCTTTCTGAAGCTCTTCCGAGCTGCCCGCCTCATAAAGCTCCTGCGTCAGGGCTATACC[A>G]TACGCATTTTGCTGTGGACCTTTGTGCAGTCCTTTAAGGTAAGAGGTACCAGCAAATCCT-3'
Protein context (NP_001192222.1, residues 1583-1603): LIKLLRQGYT[Ile1593Val]RILLWTFVQS

ClinVar aggregate classification (germline): Conflicting classifications of pathogenicity. Review status: criteria provided, conflicting classifications (1 of 4 stars). 2 submissions from 2 submitters: Likely pathogenic (1); Uncertain significance (1). Last evaluated 2023-11-30.

Allele frequency attached by ClinVar (database versions not stated): gnomAD exomes below 0.00001; TOPMed below 0.00001; gnomAD 0.00001.
gnomAD v4.1: 2 of 1,595,668 alleles (0.00013%); highest among the groups gnomAD compares: Non-Finnish European, 0.00017%; no homozygotes.

Submissions (2):

GeneDx
Classification: Likely pathogenic. Last evaluated: 2023-11-30. Review status: criteria provided, single submitter. Criteria: GeneDx Variant Classification Process June 2021. Collection method: clinical testing. Allele origin: germline. Affected: yes.
Comment: Not observed at significant frequency in large population cohorts (gnomAD); In silico analysis supports that this missense variant does not alter protein structure/function; This variant is associated with the following publications: (PMID: 30311381)

Geisinger Autism and Developmental Medicine Institute, Geisinger Health System
Classification: Uncertain significance. Last evaluated: 2018-03-12. Review status: criteria provided, single submitter. Criteria: ACMG Guidelines, 2015. Collection method: provider interpretation, clinical testing. Allele origin: de novo. Observed: 1 variant allele.
Comment: This variant is absent from the gnomAD database and computational models predict it to be damaging. The CACNA1E gene has yet to be clearly associated with a human disorder through multiple publications, although it has been suggested as a candidate gene for neurodevelopmental phenotypes (O'Roak, 2012; Helbig, 2016). It is also constrained for both missense and loss of function variation based on population data. The laboratory report indicates additional internal data which implicates this gene as causative for neurodevelopmental phenotypes; however, this is not yet publicly available. Therefore, although this is a highly suspicious variant, we consider this a variant of uncertain significance at this time.

Literature cited by the submitters: PubMed 22495309 (cited by Geisinger Autism and Developmental Medicine Institute, Geisinger Health System); PubMed 26795593 (cited by Geisinger Autism and Developmental Medicine Institute, Geisinger Health System).